The following is an entry in ClinVar:

NM_001395002.1(MAP4K4):c.3764C>G (p.Pro1255Arg)

Gene: MAP4K4 (mitogen-activated protein kinase kinase kinase kinase 4; plus strand). Cytogenetic location: 2q11.2.
Variant type: single nucleotide variant.
Coding change: c.3764C>G on transcript NM_001395002.1 (MANE Select); coding-DNA position 3764, C replaced by G.
Protein change: p.Pro1255Arg; replaces proline 1255 with arginine.
Molecular consequence: missense variant. On other transcripts: non-coding transcript variant (4).
Genome position (GRCh38, 1-based): chr2:101,887,230, C>G. VCF-style: chr2-101887230-C-G. GRCh37 (hg19) VCF-style: chr2-102503692-C-G.
Other names: c.3329C>G, p.Pro1110Arg (NM_001242559.2); c.3317C>G, p.Pro1106Arg (NM_001242560.2); c.3407C>G, p.Pro1136Arg (NM_001384476.1); c.3596C>G, p.Pro1199Arg (NM_001384477.1); c.3086C>G, p.Pro1029Arg (NM_001384478.1); c.3524C>G, p.Pro1175Arg (NM_001384481.1); c.3077C>G, p.Pro1026Arg (NM_001384482.1); c.3359C>G, p.Pro1120Arg (NM_001384483.1); and 39 more; short protein forms P1020R, P1026R, P1028R, P1029R, P1048R, P1059R, P1060R, P1071R.
Identifiers: ClinVar variation 3361709 (VCV003361709.1).
Genomic context (GRCh38, chr2:101,887,230, plus strand): 5'-CCTGTGCTGGATTCCATGCTGTTGATGTGGATTCAGGATCAGTCTATGACATTTATCTAC[C>G]AACACATGTAAGAAAGAACCCACACTCTATGGTTGGTTGACTGGCTTCATTTTGTTTTGA-3'
Protein context (NP_001381931.1, residues 1245-1265): DSGSVYDIYL[Pro1255Arg]THIQCSIKPH

ClinVar aggregate classification (germline): Uncertain significance (1 of 4 stars; one submission).

Submission:

GeneDx
Classification: Uncertain significance. Last evaluated: 2023-07-28. Review status: criteria provided, single submitter. Criteria: GeneDx Variant Classification Process June 2021. Collection method: clinical testing. Allele origin: germline. Affected: yes.
Comment: Not observed at significant frequency in large population cohorts (gnomAD); In silico analysis supports that this missense variant has a deleterious effect on protein structure/function; Has not been previously published as pathogenic or benign to our knowledge